The following is an entry in ClinVar:

NM_001136157.2(OTUD5):c.1185G>A (p.Glu395=)

Gene: OTUD5 (OTU deubiquitinase 5; minus strand). Cytogenetic location: Xp11.23.
Variant type: single nucleotide variant.
Coding change: c.1185G>A on transcript NM_001136157.2 (MANE Select); coding-DNA position 1185, G replaced by A.
Protein change: p.Glu395=; no amino-acid change (glutamic acid 395 retained).
Molecular consequence: synonymous variant.
Genome position (GRCh38, 1-based): chrX:48,925,925, C>T on the plus strand (G>A on the coding strand, the complement: OTUD5 is on the minus strand). VCF-style: chrX-48925925-C-T. GRCh37 (hg19) VCF-style: chrX-48783201-C-T.
Other names: c.1185G>A, p.Glu395= (NM_001136158.2); c.534G>A, p.Glu178= (NM_001136159.2); c.1200G>A, p.Glu400= (NM_017602.4).
Identifiers: ClinVar variation 2660490 (VCV002660490.24), dbSNP rs782671814, ClinGen allele CA10406496.

ClinVar aggregate classification (germline): Likely benign (1 of 4 stars; one submission).

Allele frequency attached by ClinVar (database versions not stated): TOPMed below 0.00001; gnomAD 0.00001; ExAC 0.00002; gnomAD exomes 0.00002.
gnomAD v4.1: 19 of 1,209,272 alleles (0.0016%); highest among the groups gnomAD compares: Non-Finnish European, 0.0021%; no homozygotes.

Submission:

CeGaT Center for Human Genetics Tuebingen
Classification: Likely benign. Last evaluated: 2022-11-01. Review status: criteria provided, single submitter. Criteria: CeGaT Center For Human Genetics Tuebingen Variant Classification Criteria Version 2. Collection method: clinical testing. Allele origin: germline. Affected: yes. Observed: 1 variant allele.
Comment: OTUD5: BP4, BP7, BS2